The following is an entry in ClinVar:

ClinVar aggregate classification (germline): Uncertain significance. Review status: criteria provided, multiple submitters, no conflicts (2 of 4 stars). 2 submissions from 2 submitters: Uncertain significance (2). Last evaluated 2025-07-25.

Conditions:
Inborn genetic diseases. Identifiers: MedGen C0950123, MeSH D030342.

Allele frequency attached by ClinVar (database versions not stated): gnomAD 0.00002; ExAC 0.00003; TOPMed 0.00003; gnomAD exomes 0.00004.

Submissions (2):

GeneDx
Classification: Uncertain significance. Last evaluated: 2025-07-25. Review status: criteria provided, single submitter. Criteria: GeneDx Variant Classification Process June 2021. Collection method: clinical testing. Allele origin: germline. Affected: yes.
Comment: In silico analysis suggests that this missense variant does not alter protein structure/function; Has not been previously published as pathogenic or benign to our knowledge

Ambry Genetics
Classification: Uncertain significance for Inborn genetic diseases. Last evaluated: 2023-08-04. Review status: criteria provided, single submitter. Criteria: Ambry Variant Classification Scheme 2023. Collection method: clinical testing. Allele origin: germline.

NM_001038.6(SCNN1A):c.1757G>A (p.Arg586Gln)

Gene: SCNN1A (sodium channel epithelial 1 subunit alpha; minus strand). Cytogenetic location: 12p13.31.
Variant type: single nucleotide variant.
Coding change: c.1757G>A on transcript NM_001038.6 (MANE Select); coding-DNA position 1757, G replaced by A.
Protein change: p.Arg586Gln; replaces arginine 586 with glutamine.
Molecular consequence: missense variant.
Genome position (GRCh38, 1-based): chr12:6,348,126, C>T on the plus strand (G>A on the coding strand, the complement: SCNN1A is on the minus strand). VCF-style: chr12-6348126-C-T. GRCh37 (hg19) VCF-style: chr12-6457292-C-T.
Other names: c.1826G>A, p.Arg609Gln (NM_001159575.2); c.1934G>A, p.Arg645Gln (NM_001159576.2); short protein forms R586Q, R645Q, R609Q.
Identifiers: ClinVar variation 2596965 (VCV002596965.3), dbSNP rs545954539, ClinGen allele CA6405716.